The following is an entry in ClinVar:

NM_020750.3(XPO5):c.2375T>G (p.Leu792Arg)

Genes: POLR1C (RNA polymerase I and III subunit C; plus strand), XPO5 (exportin 5; minus strand). Cytogenetic location: 6p21.1.
Variant type: single nucleotide variant.
Coding change: c.2375T>G on transcript NM_020750.3 (MANE Select); coding-DNA position 2375, T replaced by G.
Protein change: p.Leu792Arg; replaces leucine 792 with arginine.
Molecular consequence: missense variant. On other transcripts: non-coding transcript variant (1), intron variant (1).
Genome position (GRCh38, 1-based): chr6:43,533,975, A>C on the plus strand (T>G on the coding strand, the complement: XPO5 is on the minus strand). VCF-style: chr6-43533975-A-C. GRCh37 (hg19) VCF-style: chr6-43501712-A-C.
Other names: c.922+12927A>C (NM_001363658.2); short protein forms L792R.
Identifiers: ClinVar variation 2860439 (VCV002860439.3), dbSNP rs774915885, ClinGen allele CA3826165.

ClinVar aggregate classification (germline): Uncertain significance (1 of 4 stars; one submission).

Allele frequency attached by ClinVar (database versions not stated): TOPMed 0.00005; gnomAD 0.00001; ExAC 0.00009.
gnomAD v4.1: 24 of 1,605,524 alleles (0.0015%); highest among the groups gnomAD compares: Admixed American, 0.039%; no homozygotes.

Submission:

Labcorp Genetics (formerly Invitae), Labcorp
Classification: Uncertain significance. Last evaluated: 2025-10-28. Review status: criteria provided, single submitter. Criteria: Invitae Variant Classification Sherloc (09022015). Collection method: clinical testing. Allele origin: germline.
Comment: This sequence change replaces leucine, which is neutral and non-polar, with arginine, which is basic and polar, at codon 792 of the XPO5 protein (p.Leu792Arg). This variant is present in population databases (rs774915885, gnomAD 0.05%). This variant has not been reported in the literature in individuals affected with XPO5-related conditions. ClinVar contains an entry for this variant (Variation ID: 2860439). An algorithm developed to predict the effect of missense changes on protein structure and function (PolyPhen-2) suggests that this variant is likely to be tolerated. In summary, the available evidence is currently insufficient to determine the role of this variant in disease. Therefore, it has been classified as a Variant of Uncertain Significance.